The following is an entry in ClinVar:

ClinVar aggregate classification (germline): Uncertain significance (1 of 4 stars; one submission).

Conditions:
Primary ciliary dyskinesia. Also called: Ciliary dyskinesia. Identifiers: Orphanet 244, MedGen C0008780, MONDO:0016575, HP:0012265.

Submission:

Labcorp Genetics (formerly Invitae), Labcorp
Classification: Uncertain significance for Primary ciliary dyskinesia. Last evaluated: 2025-04-28. Review status: criteria provided, single submitter. Criteria: Invitae Variant Classification Sherloc (09022015). Collection method: clinical testing. Allele origin: germline.
Comment: This variant, c.2634_2660dup, results in the insertion of 9 amino acid(s) of the RPGR (ORF15) protein (p.Glu882_Glu890dup), but otherwise preserves the integrity of the reading frame. This variant is not present in population databases (gnomAD no frequency). This variant has not been reported in the literature in individuals affected with RPGR (ORF15)-related conditions. Experimental studies and prediction algorithms are not available or were not evaluated, and the functional significance of this variant is currently unknown. In summary, the available evidence is currently insufficient to determine the role of this variant in disease. Therefore, it has been classified as a Variant of Uncertain Significance.

NM_001034853.2(RPGR):c.2634_2660dup (p.Glu890_Gly891insGluGlyGluGlyGluGlyGluGluGlu)

Gene: RPGR (retinitis pigmentosa GTPase regulator; minus strand). Cytogenetic location: Xp11.4.
Variant type: Duplication.
Coding change: c.2634_2660dup on transcript NM_001034853.2 (MANE Select); coding-DNA positions 2634 to 2660, 27 bases duplicated (GGAAGAGGAGGAAGGAGAAGGGGAGGG).
Protein change: p.Glu890_Gly891insGluGlyGluGlyGluGlyGluGluGlu.
Molecular consequence: intron variant (on NM_001367249.1).
Genome position (GRCh38, 1-based): chrX:38,286,339-38,286,365, CCCTCCCCTTCTCCTTCCTCCTCTTCC duplicated on the plus strand (GGAAGAGGAGGAAGGAGAAGGGGAGGG on the coding strand, the reverse complement: RPGR is on the minus strand); duplicating any 27 consecutive bases within chrX:38,286,339-38,286,386 gives the same sequence; the c. name uses the placement nearest the transcript's 3' end. VCF-style (leftmost placement, unchanged base first): chrX-38286338-T-TCCCTCCCCTTCTCCTTCCTCCTCTTCC. GRCh37 (hg19) VCF-style: chrX-38145591-T-TCCCTCCCCTTCTCCTTCCTCCTCTTCC.
Other names: c.1569+4594_1569+4620dup (NM_001367249.1, NM_001367250.1); c.1902+729_1902+755dup (NM_001367245.1); c.1386+4594_1386+4620dup (NM_001367251.1); c.1719+729_1719+755dup (NM_001367246.1); c.1572+4594_1572+4620dup (NM_001367247.1); c.1905+729_1905+755dup (NM_000328.3); c.1602+4594_1602+4620dup (NM_001367248.1).
Identifiers: ClinVar variation 4772123 (VCV004772123.1).